The following is an entry in ClinVar:

ClinVar aggregate classification (germline): Pathogenic (1 of 4 stars; one submission).

Submission:

Labcorp Genetics (formerly Invitae), Labcorp
Classification: Pathogenic. Last evaluated: 2023-10-23. Review status: criteria provided, single submitter. Criteria: Invitae Variant Classification Sherloc (09022015). Collection method: clinical testing. Allele origin: germline.
Comment: This sequence change creates a premature translational stop signal (p.Glu206Glyfs*36) in the ANO10 gene. It is expected to result in an absent or disrupted protein product. Loss-of-function variants in ANO10 are known to be pathogenic (PMID: 25089919). This variant is not present in population databases (gnomAD no frequency). This variant has not been reported in the literature in individuals affected with ANO10-related conditions. For these reasons, this variant has been classified as Pathogenic.

Literature cited by the submitters: PubMed 25089919.

NM_018075.5(ANO10):c.616dup (p.Glu206fs)

Gene: ANO10 (anoctamin 10; minus strand). Cytogenetic location: 3p22.1.
Variant type: Duplication.
Coding change: c.616dup on transcript NM_018075.5 (MANE Select); coding-DNA position 616, one base duplicated (G; older notation c.616dupG).
Protein change: p.Glu206fs; shifts the reading frame from glutamic acid 206.
Molecular consequence: frameshift variant. On other transcripts: intron variant (1).
Genome position (GRCh38, 1-based): chr3:43,577,238, C duplicated on the plus strand (G on the coding strand, the reverse complement: ANO10 is on the minus strand); the first of 4 consecutive C bases (chr3:43,577,238-43,577,241); duplicating any one gives the same sequence. VCF-style (leftmost placement, unchanged base first): chr3-43577237-T-TC. GRCh37 (hg19) VCF-style: chr3-43618729-T-TC.
Other names: c.616dup, p.Glu206fs (NM_001204831.3, NM_001346463.2, NM_001346464.2 and 3 more transcripts); c.418dup, p.Glu140fs (NM_001204832.3, NM_001346466.2, NM_001346469.2); c.283dup, p.Glu95fs (NM_001204833.3); c.593-2374dup (NM_001204834.3); short protein forms E140fs, E95fs, E206fs.
Identifiers: ClinVar variation 2771365 (VCV002771365.3), dbSNP rs886058481, ClinGen allele CA2697550843.